The following is an entry in ClinVar:

ClinVar aggregate classification (germline): Uncertain significance (1 of 4 stars; one submission).

Conditions:
Familial adenomatous polyposis 1 (FAP1). Also called: FAMILIAL ADENOMATOUS POLYPOSIS 1, ATTENUATED; POLYPOSIS, ADENOMATOUS INTESTINAL. Identifiers: MedGen C2713442, MONDO:0021056, OMIM 175100. Disease mechanism: loss of function.

Submission:

Labcorp Genetics (formerly Invitae), Labcorp
Classification: Uncertain significance for Familial adenomatous polyposis 1. Last evaluated: 2023-06-19. Review status: criteria provided, single submitter. Criteria: Invitae Variant Classification Sherloc (09022015). Collection method: clinical testing. Allele origin: germline.
Comment: This sequence change replaces serine, which is neutral and polar, with threonine, which is neutral and polar, at codon 2011 of the APC protein (p.Ser2011Thr). This variant is not present in population databases (gnomAD no frequency). This variant has not been reported in the literature in individuals affected with APC-related conditions. Advanced modeling of protein sequence and biophysical properties (such as structural, functional, and spatial information, amino acid conservation, physicochemical variation, residue mobility, and thermodynamic stability) performed at Invitae indicates that this missense variant is not expected to disrupt APC protein function. In summary, the available evidence is currently insufficient to determine the role of this variant in disease. Therefore, it has been classified as a Variant of Uncertain Significance.

NM_000038.6(APC):c.6031T>A (p.Ser2011Thr)

Gene: APC (APC regulator of Wnt signaling pathway; plus strand). Cytogenetic location: 5q22.2.
Variant type: single nucleotide variant.
Coding change: c.6031T>A on transcript NM_000038.6 (MANE Select); coding-DNA position 6031, T replaced by A.
Protein change: p.Ser2011Thr; replaces serine 2011 with threonine.
Molecular consequence: missense variant. On other transcripts: non-coding transcript variant (2).
Genome position (GRCh38, 1-based): chr5:112,841,625, T>A. VCF-style: chr5-112841625-T-A. GRCh37 (hg19) VCF-style: chr5-112177322-T-A.
Other names: c.6031T>A, p.Ser2011Thr (NM_001127510.3, NM_001354895.2, NM_001407450.1); c.5977T>A, p.Ser1993Thr (NM_001127511.3); c.6085T>A, p.Ser2029Thr (NM_001354896.2, NM_001407447.1, NM_001407448.1 and 1 more transcripts); c.6061T>A, p.Ser2021Thr (NM_001354897.2); c.5956T>A, p.Ser1986Thr (NM_001354898.2); c.5947T>A, p.Ser1983Thr (NM_001354899.2); c.5908T>A, p.Ser1970Thr (NM_001354900.2); c.5854T>A, p.Ser1952Thr (NM_001354901.2, NM_001407453.1); and 11 more; short protein forms S1885T, S1910T, S2021T, S1851T, S1882T, S1920T, S1928T, S1970T.
Identifiers: ClinVar variation 2719393 (VCV002719393.3), dbSNP rs2149955295, ClinGen allele CA16034526.